The following is an entry in ClinVar:

ClinVar aggregate classification (germline): Uncertain significance. Review status: criteria provided, multiple submitters, no conflicts (2 of 4 stars). 3 submissions from 3 submitters: Uncertain significance (3). Last evaluated 2025-06-18.

Conditions:
Inborn genetic diseases. Identifiers: MedGen C0950123, MeSH D030342.
Macrocephaly, dysmorphic facies, and psychomotor retardation (MDFPMR). Identifiers: Orphanet 457359, MedGen C4310766, MONDO:0014863, OMIM 617011.

Allele frequency attached by ClinVar (database versions not stated): ExAC 0.00006; ESP Exome Variant Server 0.00008; gnomAD 0.00009; TOPMed 0.00010.
gnomAD v4.1: 249 of 1,612,526 alleles (0.015%); highest among the groups gnomAD compares: Non-Finnish European, 0.019%; no homozygotes.

Submissions (4):

Ambry Genetics
Classification: Uncertain significance for Inborn genetic diseases. Last evaluated: 2025-06-18. Review status: criteria provided, single submitter. Criteria: Ambry Variant Classification Scheme 2023. Collection method: clinical testing. Allele origin: germline.

Blueprint Genetics
Classification: Uncertain significance. Last evaluated: 2024-11-18. Review status: criteria provided, single submitter. Criteria: ACMG Guidelines, 2015. Collection method: clinical testing. Allele origin: germline.

Victorian Clinical Genetics Services, Murdoch Childrens Research Institute
Classification: Uncertain significance for Macrocephaly, dysmorphic facies, and psychomotor retardation. Last evaluated: 2023-07-17. Review status: criteria provided, single submitter. Criteria: ACMG Guidelines, 2015. Collection method: clinical testing. Allele origin: germline. Inheritance: Autosomal recessive inheritance. Affected: yes.
Comment: Based on the classification scheme VCGS_Germline_v1.3.4, this variant is classified as VUS-3B. Following criteria are met: 0102 - Loss of function is a known mechanism of disease in this gene and is associated with macrocephaly, dysmorphic facies, and psychomotor retardation (MIM#617011). (I) 0106 - This gene is associated with autosomal recessive disease. (I) 0200 - Variant is predicted to result in a missense amino acid change from arginine to cysteine. (I) 0251 - This variant is heterozygous. (I) 0304 - Variant is present in gnomAD (v2) <0.01 for a recessive condition (23 heterozygotes, 0 homozygotes). (SP) 0309 - Multiple alternative amino acid changes at the same position have been observed in gnomAD (v2 and 3) (highest allele count: 3 heterozygotes, 0 homozygotes). (I) 0501 - Missense variant consistently predicted to be damaging by multiple in silico tools or highly conserved with a major amino acid change. (SP) 0600 - Variant is located in the annotated regulator of chromosome condensation repeat domain (DECIPHER). (I) 0705 - No comparable missense variants have previous evidence for pathogenicity. (I) 0809 - Previous evidence of pathogenicity for this variant is inconclusive. This variant has been classified as a VUS by a clinical laboratory in ClinVar. (I) 0905 - No published segregation evidence has been identified for this variant. (I) 1007 - No published functional evidence has been identified for this variant. (I) 1208 - Inheritance information for this variant is not currently available in this individual. (I) Legend: (SP) - Supporting pathogenic, (I) - Information, (SB) - Supporting benign

Dr. Peter K. Rogan Lab, Western University
No classification provided (evidence only). Condition: Uterine carcinosarcoma. Review status: no classification provided. Collection method: in vitro. Allele origin: not applicable. Functional consequence: retained intron. Not counted in ClinVar's aggregate classification.

NM_003922.4(HERC1):c.12823C>T (p.Arg4275Cys)

Gene: HERC1 (HECT and RLD domain containing E3 ubiquitin protein ligase family member 1; minus strand). Cytogenetic location: 15q22.31.
Variant type: single nucleotide variant.
Coding change: c.12823C>T on transcript NM_003922.4 (MANE Select); coding-DNA position 12823, C replaced by T.
Protein change: p.Arg4275Cys; replaces arginine 4275 with cysteine.
Molecular consequence: missense variant.
Genome position (GRCh38, 1-based): chr15:63,630,609, G>A on the plus strand (C>T on the coding strand, the complement: HERC1 is on the minus strand). VCF-style: chr15-63630609-G-A. GRCh37 (hg19) VCF-style: chr15-63922808-G-A.
Other names: NC_000015.9:g.63922808G>A; short protein forms R4275C.
Identifiers: ClinVar variation 2364178 (VCV002364178.6), dbSNP rs371244791, ClinGen allele CA7603907.
Genomic context (GRCh38, chr15:63,630,609, plus strand): 5'-CTTCTATGATTACTCCAGCCAGGACAGGGATTTGTTGCGGTCGATTGTGATTGCGAGCAC[G>A]CCCCTCTGGCAAGCCTATCAGGCGATCTGAAAAAAACAAAACAAAAACATGTGGAAATGT-3'
Protein context (NP_003913.3, residues 4265-4285): QDRLIGLPEG[Arg4275Cys]ARNHNRPQQI